The following is an entry in ClinVar:

NM_004960.3(FUS):c.*1089G>A

Gene: FUS (FUS DNA/RNA binding protein; plus strand). Cytogenetic location: 16p11.2.
Variant type: single nucleotide variant.
Coding change: c.*1089G>A on transcript NM_004960.3; 1089 bases downstream of the stop codon, G replaced by A.
Molecular consequence: 3 prime UTR variant (on NM_001170634.1). On other transcripts: non-coding transcript variant (1).
Genome position (GRCh38, 1-based): chr16:31,192,527, G>A. VCF-style: chr16-31192527-G-A. GRCh37 (hg19) VCF-style: chr16-31203848-G-A.
Other names: c.*1089G>A (NM_001170634.1, NM_001170937.1).
Identifiers: ClinVar variation 886542 (VCV000886542.6), dbSNP rs184277413, ClinGen allele CA280602983.

ClinVar aggregate classification (germline): Likely benign (1 of 4 stars; one submission).

Conditions:
Amyotrophic lateral sclerosis type 6. Also called: FUS-Related Amyotrophic Laterial Sclerosis; AMYOTROPHIC LATERAL SCLEROSIS 6 WITHOUT FRONTOTEMPORAL DEMENTIA; Amyotrophic lateral sclerosis 6, with or without frontotemporal dementia. Identifiers: Orphanet 275872, Orphanet 803, MedGen C2931786, MONDO:0011951, OMIM 608030.

Allele frequency attached by ClinVar (database versions not stated): 1000 Genomes Project 0.00120; gnomAD 0.00025 and 0.00033; TOPMed 0.00033; gnomAD exomes 0.00034 and 0.00077; 1000 Genomes Project 30x 0.00141.
gnomAD v4.1: 196 of 512,604 alleles (0.038%); highest among the groups gnomAD compares: East Asian, 0.44%; 1 homozygote.

Submission:

Illumina Laboratory Services, Illumina
Classification: Likely benign for Amyotrophic lateral sclerosis type 6. Last evaluated: 2018-01-12. Review status: criteria provided, single submitter. Criteria: ICSL Variant Classification Criteria 13 December 2019. Collection method: clinical testing. Allele origin: germline.
Comment: This variant was observed in the ICSL laboratory as part of a predisposition screen in an ostensibly healthy population. It had not been previously curated by ICSL or reported in the Human Gene Mutation Database (HGMD: prior to June 1st, 2018), and was therefore a candidate for classification through an automated scoring system. Utilizing variant allele frequency, disease prevalence and penetrance estimates, and inheritance mode, an automated score was calculated to assess if this variant is too frequent to cause the disease. Based on the score and internal cut-off values, a variant classified as likely benign is not then subjected to further curation. The score for this variant resulted in a classification of likely benign for this disease.